The following is an entry in ClinVar:

ClinVar aggregate classification (germline): Uncertain significance (1 of 4 stars; one submission).

Submission:

Labcorp Genetics (formerly Invitae), Labcorp
Classification: Uncertain significance. Last evaluated: 2024-05-21. Review status: criteria provided, single submitter. Criteria: Invitae Variant Classification Sherloc (09022015). Collection method: clinical testing. Allele origin: germline.
Comment: This variant, c.993_1007dup, results in the insertion of 5 amino acid(s) of the ARID1B protein (p.Gly333_Gly337dup), but otherwise preserves the integrity of the reading frame. The frequency data for this variant in the population databases is considered unreliable, as metrics indicate poor data quality at this position in the gnomAD database. This variant has not been reported in the literature in individuals affected with ARID1B-related conditions. In summary, the available evidence is currently insufficient to determine the role of this variant in disease. Therefore, it has been classified as a Variant of Uncertain Significance.

NM_001374828.1(ARID1B):c.1227AGGAGGAGCAGGAGC[3] (p.Gly420_Ala421insGlyAlaGlyAlaGly)

Gene: ARID1B (AT-rich interaction domain 1B; plus strand). Cytogenetic location: 6q25.3.
Variant type: Microsatellite.
Coding change: c.1227AGGAGGAGCAGGAGC[3] on transcript NM_001374828.1 (MANE Select); three copies in a row of the 15-base unit AGGAGGAGCAGGAGC starting at c.1227; the reference has two copies in a row; one copy, 15 bases duplicated.
Protein change: p.Gly420_Ala421insGlyAlaGlyAlaGly.
Genome position (GRCh38, 1-based): chr6:156,778,922-156,778,936, AGGAGGAGCAGGAGC duplicated; duplicating any 15 consecutive bases within chr6:156,778,907-156,778,936 gives the same sequence; the position shown is the placement nearest the transcript's 3' end. VCF-style (leftmost placement, unchanged base first): chr6-156778906-G-GAGGAGGAGCAGGAGC. GRCh37 (hg19) VCF-style: chr6-157100040-G-GAGGAGGAGCAGGAGC.
Other names: c.1227AGGAGGAGCAGGAGC[3], p.Gly420_Ala421insGlyAlaGlyAlaGly (NM_017519.3, NM_001371656.1, NM_001374820.1).
Identifiers: ClinVar variation 3668208 (VCV003668208.2).